The following is an entry in ClinVar:

ClinVar aggregate classification (germline): Uncertain significance (1 of 4 stars; one submission).

Submission:

GeneDx
Classification: Uncertain significance. Last evaluated: 2024-12-11. Review status: criteria provided, single submitter. Criteria: GeneDx Variant Classification Process June 2021. Collection method: clinical testing. Allele origin: germline. Affected: yes.
Comment: Not observed at significant frequency in large population cohorts (gnomAD); In silico analysis indicates that this missense variant does not alter protein structure/function; Has not been previously published as pathogenic or benign to our knowledge

NM_006563.5(KLF1):c.755C>T (p.Ala252Val)

Genes: KLF1 (KLF transcription factor 1; minus strand), LOC117125591 (CRISPRi-FlowFISH-validated PRDX2 and RAD23A regulatory element; plus strand). Cytogenetic location: 19p13.13.
Variant type: single nucleotide variant.
Coding change: c.755C>T on transcript NM_006563.5 (MANE Select); coding-DNA position 755, C replaced by T.
Protein change: p.Ala252Val; replaces alanine 252 with valine.
Molecular consequence: missense variant.
Genome position (GRCh38, 1-based): chr19:12,885,475, G>A on the plus strand (C>T on the coding strand, the complement: KLF1 is on the minus strand). VCF-style: chr19-12885475-G-A. GRCh37 (hg19) VCF-style: chr19-12996289-G-A.
Other names: short protein forms A252V.
Identifiers: ClinVar variation 3902858 (VCV003902858.1).